The following is an entry in ClinVar:

ClinVar aggregate classification (germline): Pathogenic/Likely pathogenic. Review status: criteria provided, multiple submitters, no conflicts (2 of 4 stars). 2 submissions from 2 submitters: Pathogenic (1); Likely pathogenic (1). Last evaluated 2023-02-24.

Conditions:
FAM161A-related disorder. Also called: FAM161A-related condition.

gnomAD v4.1: 2 of 1,614,164 alleles (0.00012%); highest among the groups gnomAD compares: Non-Finnish European, 0.00017%; no homozygotes.

Submissions (2):

Labcorp Genetics (formerly Invitae), Labcorp
Classification: Pathogenic. Last evaluated: 2023-02-24. Review status: criteria provided, single submitter. Criteria: Invitae Variant Classification Sherloc (09022015). Collection method: clinical testing. Allele origin: germline.
Comment: This sequence change creates a premature translational stop signal (p.Ser402*) in the FAM161A gene. It is expected to result in an absent or disrupted protein product. Loss-of-function variants in FAM161A are known to be pathogenic (PMID: 20705278, 20705279, 24651477). This variant is not present in population databases (gnomAD no frequency). This premature translational stop signal has been observed in individual(s) with retinitis pigmentosa (PMID: 32531858). For these reasons, this variant has been classified as Pathogenic.

Blueprint Genetics
Classification: Likely pathogenic for FAM161A-related disorders. Last evaluated: 2021-04-13. Review status: criteria provided, single submitter. Criteria: ACMG Guidelines, 2015. Collection method: clinical testing. Allele origin: germline. Affected: yes. Observed: 1 variant allele.

Literature cited by the submitters: PubMed 20705278 (cited by Labcorp Genetics (formerly Invitae), Labcorp); PubMed 20705279 (cited by Labcorp Genetics (formerly Invitae), Labcorp); PubMed 24651477 (cited by Labcorp Genetics (formerly Invitae), Labcorp); PubMed 32531858 (cited by Labcorp Genetics (formerly Invitae), Labcorp).

NM_001201543.2(FAM161A):c.1205C>A (p.Ser402Ter)

Gene: FAM161A (FAM161 centrosomal protein A; minus strand). Cytogenetic location: 2p15.
Variant type: single nucleotide variant.
Coding change: c.1205C>A on transcript NM_001201543.2 (MANE Select); coding-DNA position 1205, C replaced by A.
Protein change: p.Ser402Ter; replaces serine 402 with a stop codon.
Molecular consequence: nonsense. On other transcripts: non-coding transcript variant (1).
Genome position (GRCh38, 1-based): chr2:61,839,799, G>T on the plus strand (C>A on the coding strand, the complement: FAM161A is on the minus strand). VCF-style: chr2-61839799-G-T. GRCh37 (hg19) VCF-style: chr2-62066934-G-T.
Other names: c.1205C>A, p.Ser402Ter (NM_032180.3); short protein forms S402*.
Identifiers: ClinVar variation 2840515 (VCV002840515.4), dbSNP rs1553354522, ClinGen allele CA346987034.